The following is an entry in ClinVar:

ClinVar aggregate classification (germline): Uncertain significance. Review status: criteria provided, multiple submitters, no conflicts (2 of 4 stars). 2 submissions from 2 submitters: Uncertain significance (2). Last evaluated 2024-10-18.

gnomAD v4.1: 18 of 1,613,614 alleles (0.0011%); highest among the groups gnomAD compares: Middle Eastern, 0.016%; no homozygotes.

Submissions (2):

Labcorp Genetics (formerly Invitae), Labcorp
Classification: Uncertain significance. Last evaluated: 2024-10-18. Review status: criteria provided, single submitter. Criteria: Invitae Variant Classification Sherloc (09022015). Collection method: clinical testing. Allele origin: germline.
Comment: This sequence change replaces valine, which is neutral and non-polar, with alanine, which is neutral and non-polar, at codon 537 of the COQ8A protein (p.Val537Ala). This variant is present in population databases (no rsID available, gnomAD 0.0009%). This variant has not been reported in the literature in individuals affected with COQ8A-related conditions. ClinVar contains an entry for this variant (Variation ID: 1915703). Invitae Evidence Modeling of protein sequence and biophysical properties (such as structural, functional, and spatial information, amino acid conservation, physicochemical variation, residue mobility, and thermodynamic stability) has been performed for this missense variant. However, the output from this modeling did not meet the statistical confidence thresholds required to predict the impact of this variant on COQ8A protein function. In summary, the available evidence is currently insufficient to determine the role of this variant in disease. Therefore, it has been classified as a Variant of Uncertain Significance.

Blueprint Genetics
Classification: Uncertain significance. Last evaluated: 2024-07-08. Review status: criteria provided, single submitter. Criteria: ACMG Guidelines, 2015. Collection method: clinical testing. Allele origin: germline.

NM_020247.5(COQ8A):c.1610T>C (p.Val537Ala)

Gene: COQ8A (coenzyme Q8A; plus strand). Cytogenetic location: 1q42.13.
Variant type: single nucleotide variant.
Coding change: c.1610T>C on transcript NM_020247.5 (MANE Select); coding-DNA position 1610, T replaced by C.
Protein change: p.Val537Ala; replaces valine 537 with alanine.
Molecular consequence: missense variant.
Genome position (GRCh38, 1-based): chr1:226,985,291, T>C. VCF-style: chr1-226985291-T-C. GRCh37 (hg19) VCF-style: chr1-227172992-T-C.
Other names: short protein forms V537A.
Identifiers: ClinVar variation 1915703 (VCV001915703.6), dbSNP rs199724504, ClinGen allele CA345056066.